The following is an entry in ClinVar:

ClinVar aggregate classification (germline): Conflicting classifications of pathogenicity. Review status: criteria provided, conflicting classifications (1 of 4 stars). 2 submissions from 2 submitters: Uncertain significance (1); Likely benign (1). Last evaluated 2022-03-03.

Conditions:
Autosomal recessive limb-girdle muscular dystrophy type 2T. Also called: Limb-girdle muscular dystrophy-dystroglycanopathy, type C14; MUSCULAR DYSTROPHY-DYSTROGLYCANOPATHY, LIMB-GIRDLE, GMPPB-RELATED; MUSCULAR DYSTROPHY, LIMB-GIRDLE, TYPE 2T; Muscular dystrophy-dystroglycanopathy (limb-girdle), type c, 14. Identifiers: Orphanet 363623, MedGen C4518000, MONDO:0014142, OMIM 615352.
Muscular dystrophy-dystroglycanopathy (congenital with impaired intellectual development), type B, 14. Also called: Congenital muscular dystrophy-dystroglycanopathy with mental retardation, type B14; Muscular dystrophy-dystroglycanopathy (congenital with intellectual disability), type B14; MUSCULAR DYSTROPHY, CONGENITAL, GMPPB-RELATED. Identifiers: MedGen C3809221, MONDO:0014141, OMIM 615351.
Muscular dystrophy-dystroglycanopathy (congenital with brain and eye anomalies), type A14. Also called: Congenital Muscular Dystrophy-Dystroglycanopathy with Brain and Eye Anomalies Type A 14; Congenital muscular dystrophy-dystroglycanopathy with brain and eye anomalies, type A14; Muscular dystrophy-dystroglycanopathy (congenital with brain and eye anomalies), type a, 14; WALKER-WARBURG SYNDROME OR MUSCLE-EYE-BRAIN DISEASE, GMPPB-RELATED. Identifiers: Orphanet 588, MedGen C3809216, MONDO:0014140, OMIM 615350.

Allele frequency attached by ClinVar (database versions not stated): gnomAD 0.00001; TOPMed 0.00002.
gnomAD v4.1: 2 of 1,053,596 alleles (0.00019%); highest among the groups gnomAD compares: African/African-American, 0.0033%; no homozygotes.

Submissions (2):

Labcorp Genetics (formerly Invitae), Labcorp
Classification: Likely benign for Autosomal recessive limb-girdle muscular dystrophy type 2T; Muscular dystrophy-dystroglycanopathy (congenital with brain and eye anomalies), type A14; Muscular dystrophy-dystroglycanopathy (congenital with impaired intellectual development), type B, 14. Last evaluated: 2022-03-03. Review status: criteria provided, single submitter. Criteria: Invitae Variant Classification Sherloc (09022015). Collection method: clinical testing. Allele origin: germline.

GeneDx
Classification: Uncertain significance. Last evaluated: 2019-09-27. Review status: criteria provided, single submitter. Criteria: GeneDx Variant Classification Process June 2021. Collection method: clinical testing. Allele origin: germline. Affected: yes.
Comment: Not observed at a significant frequency in large population cohorts (Lek et al., 2016); The majority of missense variants in this gene are considered pathogenic (Stenson et al., 2014); Has not been previously published as pathogenic or benign to our knowledge; In silico analysis, which includes protein predictors and evolutionary conservation, supports that this variant does not alter protein structure/function

NM_021971.4(GMPPB):c.951+7C>A

Gene: GMPPB (GDP-mannose pyrophosphorylase B; minus strand). Cytogenetic location: 3p21.31.
Variant type: single nucleotide variant.
Coding change: c.951+7C>A on transcript NM_021971.4 (MANE Select); 7 bases into the intron after coding-DNA position 951, C replaced by A.
Molecular consequence: intron variant. On other transcripts: missense variant (1).
Genome position (GRCh38, 1-based): chr3:49,721,958, G>T on the plus strand (C>A on the coding strand, the complement: GMPPB is on the minus strand). VCF-style: chr3-49721958-G-T. GRCh37 (hg19) VCF-style: chr3-49759391-G-T.
Other names: c.958C>A, p.Leu320Met (NM_013334.4); short protein forms L320M.
Identifiers: ClinVar variation 1091172 (VCV001091172.9), dbSNP rs973900671, ClinGen allele CA74541358.